The following is an entry in ClinVar:

ClinVar aggregate classification (germline): Uncertain significance (1 of 4 stars; one submission).

Allele frequency attached by ClinVar (database versions not stated): gnomAD exomes below 0.00001.
gnomAD v4.1: 2 of 1,614,054 alleles (0.00012%); highest among the groups gnomAD compares: Middle Eastern, 0.016%; no homozygotes.

Submission:

Ambry Genetics
Classification: Uncertain significance. Last evaluated: 2023-03-23. Review status: criteria provided, single submitter. Criteria: Ambry Variant Classification Scheme 2023. Collection method: clinical testing. Allele origin: germline.
Comment: The p.N615S variant (also known as c.1844A>G), located in coding exon 1 of the MLH3 gene, results from an A to G substitution at nucleotide position 1844. The asparagine at codon 615 is replaced by serine, an amino acid with highly similar properties. This amino acid position is conserved. In addition, this alteration is predicted to be tolerated by in silico analysis. Since supporting evidence is limited at this time, the clinical significance of this alteration remains unclear.

NM_001040108.2(MLH3):c.1844A>G (p.Asn615Ser)

Gene: MLH3 (mutL homolog 3; minus strand). Cytogenetic location: 14q24.3.
Variant type: single nucleotide variant.
Coding change: c.1844A>G on transcript NM_001040108.2 (MANE Select); coding-DNA position 1844, A replaced by G.
Protein change: p.Asn615Ser; replaces asparagine 615 with serine.
Molecular consequence: missense variant.
Genome position (GRCh38, 1-based): chr14:75,047,812, T>C on the plus strand (A>G on the coding strand, the complement: MLH3 is on the minus strand). VCF-style: chr14-75047812-T-C. GRCh37 (hg19) VCF-style: chr14-75514515-T-C.
Other names: c.1844A>G, p.Asn615Ser (NM_014381.3); short protein forms N615S.
Identifiers: ClinVar variation 2561672 (VCV002561672.2), dbSNP rs2503285124, ClinGen allele CA390444051.